The following is an entry in ClinVar:

ClinVar aggregate classification (germline): Uncertain significance (1 of 4 stars; one submission).

Conditions:
Nemaline myopathy 6 (NEM6). Also called: Nemaline myopathy 6, autosomal dominant. Identifiers: Orphanet 171439, MedGen C1836472, MONDO:0012237, OMIM 609273.

Allele frequency attached by ClinVar (database versions not stated): TOPMed below 0.00001; gnomAD 0.00001.

Submission:

Labcorp Genetics (formerly Invitae), Labcorp
Classification: Uncertain significance for Nemaline myopathy 6. Last evaluated: 2023-07-17. Review status: criteria provided, single submitter. Criteria: Invitae Variant Classification Sherloc (09022015). Collection method: clinical testing. Allele origin: germline.
Comment: This sequence change replaces glycine, which is neutral and non-polar, with arginine, which is basic and polar, at codon 203 of the KBTBD13 protein (p.Gly203Arg). This variant is present in population databases (no rsID available, gnomAD 0.007%). This variant has not been reported in the literature in individuals affected with KBTBD13-related conditions. ClinVar contains an entry for this variant (Variation ID: 576230). Advanced modeling of protein sequence and biophysical properties (such as structural, functional, and spatial information, amino acid conservation, physicochemical variation, residue mobility, and thermodynamic stability) performed at Invitae indicates that this missense variant is not expected to disrupt KBTBD13 protein function. In summary, the available evidence is currently insufficient to determine the role of this variant in disease. Therefore, it has been classified as a Variant of Uncertain Significance.

NM_001101362.3(KBTBD13):c.607G>C (p.Gly203Arg)

Gene: KBTBD13 (kelch repeat and BTB domain containing 13; plus strand). Cytogenetic location: 15q22.31.
Variant type: single nucleotide variant.
Coding change: c.607G>C on transcript NM_001101362.3 (MANE Select); coding-DNA position 607, G replaced by C.
Protein change: p.Gly203Arg; replaces glycine 203 with arginine.
Molecular consequence: missense variant.
Genome position (GRCh38, 1-based): chr15:65,077,422, G>C. VCF-style: chr15-65077422-G-C. GRCh37 (hg19) VCF-style: chr15-65369760-G-C.
Other names: short protein forms G203R.
Identifiers: ClinVar variation 576230 (VCV000576230.8), dbSNP rs944113571, ClinGen allele CA271503774.